The following is an entry in ClinVar:

ClinVar aggregate classification (germline): Uncertain significance (1 of 4 stars; one submission).

Conditions:
Jeune thoracic dystrophy. Also called: Jeune syndrome; Infantile thoracic dystrophy; Thoracic pelvic phalangeal dystrophy; Jeune's syndrome; Chondroectodermal dysplasia-like syndrome; Short-rib thoracic dysplasia. Identifiers: Orphanet 474, MedGen C0265275, MONDO:0018770.

Allele frequency attached by ClinVar (database versions not stated): gnomAD exomes 0.00001.
gnomAD v4.1: 10 of 1,605,258 alleles (0.00062%); highest among the groups gnomAD compares: Middle Eastern, 0.017%; no homozygotes.

Submission:

Labcorp Genetics (formerly Invitae), Labcorp
Classification: Uncertain significance for Jeune thoracic dystrophy. Last evaluated: 2022-01-04. Review status: criteria provided, single submitter. Criteria: Invitae Variant Classification Sherloc (09022015). Collection method: clinical testing. Allele origin: germline.
Comment: This sequence change replaces glycine, which is neutral and non-polar, with serine, which is neutral and polar, at codon 3456 of the DYNC2H1 protein (p.Gly3456Ser). The frequency data for this variant in the population databases is considered unreliable, as metrics indicate poor data quality at this position in the gnomAD database. This variant has not been reported in the literature in individuals affected with DYNC2H1-related conditions. Advanced modeling of protein sequence and biophysical properties (such as structural, functional, and spatial information, amino acid conservation, physicochemical variation, residue mobility, and thermodynamic stability) performed at Invitae indicates that this missense variant is not expected to disrupt DYNC2H1 protein function. Algorithms developed to predict the effect of sequence changes on RNA splicing suggest that this variant may create or strengthen a splice site. In summary, the available evidence is currently insufficient to determine the role of this variant in disease. Therefore, it has been classified as a Variant of Uncertain Significance.

NM_001377.3(DYNC2H1):c.10345G>A (p.Gly3449Ser)

Gene: DYNC2H1 (dynein cytoplasmic 2 heavy chain 1; plus strand). Cytogenetic location: 11q22.3.
Variant type: single nucleotide variant.
Coding change: c.10345G>A on transcript NM_001377.3 (MANE Select); coding-DNA position 10345, G replaced by A.
Protein change: p.Gly3449Ser; replaces glycine 3449 with serine.
Molecular consequence: missense variant.
Genome position (GRCh38, 1-based): chr11:103,256,124, G>A. VCF-style: chr11-103256124-G-A. GRCh37 (hg19) VCF-style: chr11-103126853-G-A.
Other names: c.10366G>A, p.Gly3456Ser (NM_001080463.2); short protein forms G3449S, G3456S.
Identifiers: ClinVar variation 1987721 (VCV001987721.1), dbSNP rs1313023120, ClinGen allele CA382249475.